The following is an entry in ClinVar:

NM_182914.3(SYNE2):c.8621A>G (p.His2874Arg)

Gene: SYNE2 (spectrin repeat containing nuclear envelope protein 2; plus strand). Cytogenetic location: 14q23.2.
Variant type: single nucleotide variant.
Coding change: c.8621A>G on transcript NM_182914.3 (MANE Select); coding-DNA position 8621, A replaced by G.
Protein change: p.His2874Arg; replaces histidine 2874 with arginine.
Molecular consequence: missense variant.
Genome position (GRCh38, 1-based): chr14:64,052,534, A>G. VCF-style: chr14-64052534-A-G. GRCh37 (hg19) VCF-style: chr14-64519252-A-G.
Other names: c.8621A>G, p.His2874Arg (NM_015180.6); short protein forms H2874R.
Identifiers: ClinVar variation 2436848 (VCV002436848.6), dbSNP rs368253284, ClinGen allele CA7221141.
Genomic context (GRCh38, chr14:64,052,534, plus strand): 5'-AAACACTGATAATTCCCAGGGTGGAGACAGCTGCCACGGAAGCTGAACTAAAACATCACC[A>G]TGTTACTTTGGAGGCATCTCAGAAGGAATTGCAAGAAATTGACAGTGGAATCTCAACACA-3'
Protein context (NP_878918.2, residues 2864-2884): AATEAELKHH[His2874Arg]VTLEASQKEL

ClinVar aggregate classification (germline): Uncertain significance. Review status: criteria provided, multiple submitters, no conflicts (2 of 4 stars). 3 submissions from 3 submitters: Uncertain significance (3). Last evaluated 2024-10-09.

Conditions:
Emery-Dreifuss muscular dystrophy 5, autosomal dominant (EDMD5). Also called: EMERY-DREIFUSS MUSCULAR DYSTROPHY 5. Identifiers: Orphanet 261, MedGen C2751805, MONDO:0013072, OMIM 612999.

Allele frequency attached by ClinVar (database versions not stated): ExAC 0.00002; gnomAD exomes 0.00002; gnomAD 0.00003; TOPMed 0.00004; ESP Exome Variant Server 0.00008.
gnomAD v4.1: 35 of 1,614,052 alleles (0.0022%); highest among the groups gnomAD compares: African/African-American, 0.008%; 1 homozygote.

Submissions (3):

Ambry Genetics
Classification: Uncertain significance. Last evaluated: 2024-10-09. Review status: criteria provided, single submitter. Criteria: Ambry Variant Classification Scheme 2023. Collection method: clinical testing. Allele origin: germline.

Labcorp Genetics (formerly Invitae), Labcorp
Classification: Uncertain significance for Emery-Dreifuss muscular dystrophy 5, autosomal dominant. Last evaluated: 2024-03-07. Review status: criteria provided, single submitter. Criteria: Invitae Variant Classification Sherloc (09022015). Collection method: clinical testing. Allele origin: germline.
Comment: This sequence change replaces histidine, which is basic and polar, with arginine, which is basic and polar, at codon 2874 of the SYNE2 protein (p.His2874Arg). This variant is present in population databases (rs368253284, gnomAD 0.01%). This variant has not been reported in the literature in individuals affected with SYNE2-related conditions. ClinVar contains an entry for this variant (Variation ID: 2436848). Algorithms developed to predict the effect of missense changes on protein structure and function output the following: SIFT: "Not Available"; PolyPhen-2: "Benign"; Align-GVGD: "Not Available". The arginine amino acid residue is found in multiple mammalian species, which suggests that this missense change does not adversely affect protein function. In summary, the available evidence is currently insufficient to determine the role of this variant in disease. Therefore, it has been classified as a Variant of Uncertain Significance.

Revvity Omics, Revvity
Classification: Uncertain significance for Emery-Dreifuss muscular dystrophy 5, autosomal dominant. Last evaluated: 2019-02-06. Review status: criteria provided, single submitter. Criteria: ACMG Guidelines, 2015. Collection method: clinical testing. Allele origin: germline.